The following is an entry in ClinVar:

NM_000018.4(ACADVL):c.996del (p.Ala333fs)

Gene: ACADVL (acyl-CoA dehydrogenase very long chain; plus strand). Cytogenetic location: 17p13.1.
Variant type: Deletion.
Coding change: c.996del on transcript NM_000018.4 (MANE Select); coding-DNA position 996, one base deleted (T; older notation c.996delT).
Protein change: p.Ala333fs; shifts the reading frame from alanine 333.
Molecular consequence: frameshift variant.
Genome position (GRCh38, 1-based): chr17:7,222,784, T deleted; the last of 2 consecutive T bases (chr17:7,222,783-7,222,784); deleting either gives the same sequence. VCF-style (leftmost placement, unchanged base first): chr17-7222782-GT-G. GRCh37 (hg19) VCF-style: chr17-7126101-GT-G.
Other names: c.930del, p.Ala311fs (NM_001033859.3); c.1065del, p.Ala356fs (NM_001270447.2); c.768del, p.Ala257fs (NM_001270448.2); c.996delT (NM_000018.4); short protein forms A311fs, A333fs, A257fs, A356fs.
Identifiers: ClinVar variation 371385 (VCV000371385.12), dbSNP rs1057516843, ClinGen allele CA16041864.

ClinVar aggregate classification (germline): Pathogenic. Review status: criteria provided, multiple submitters, no conflicts (2 of 4 stars). 4 submissions from 4 submitters: Pathogenic (3). 1 of the submissions does not count toward it. Last evaluated 2023-11-29.

Conditions:
Cardiac arrhythmia. Also called: Arrhythmia; Cardiac rhythm disease. Identifiers: MedGen C0003811, MONDO:0007263, HP:0011675.
Very long chain acyl-CoA dehydrogenase deficiency (ACADVLD). Also called: VLCAD Deficiency; Very Long-Chain Acyl-Coenzyme A Dehydrogenase Deficiency. Identifiers: Orphanet 26793, MedGen C3887523, MONDO:0008723, OMIM 201475.

Submissions (4):

Baylor Genetics
Classification: Pathogenic for Very long chain acyl-CoA dehydrogenase deficiency. Last evaluated: 2023-11-29. Review status: criteria provided, single submitter. Criteria: ACMG Guidelines, 2015. Collection method: clinical testing. Allele origin: unknown.

Labcorp Genetics (formerly Invitae), Labcorp
Classification: Pathogenic for Very long chain acyl-CoA dehydrogenase deficiency. Last evaluated: 2023-04-07. Review status: criteria provided, single submitter. Criteria: Invitae Variant Classification Sherloc (09022015). Collection method: clinical testing. Allele origin: germline.
Comment: For these reasons, this variant has been classified as Pathogenic. This sequence change creates a premature translational stop signal (p.Ala333Profs*20) in the ACADVL gene. It is expected to result in an absent or disrupted protein product. Loss-of-function variants in ACADVL are known to be pathogenic (PMID: 9973285, 11590124). This variant is not present in population databases (gnomAD no frequency). This premature translational stop signal has been observed in individual(s) with very long-chain acyl-CoA dehydrogenase deficiency (PMID: 28755359). ClinVar contains an entry for this variant (Variation ID: 371385).

Clinical Genetics Laboratory, Region Ostergotland
Classification: Pathogenic for Arrhythmia. Last evaluated: 2020-09-09. Review status: criteria provided, single submitter. Criteria: ACMG Guidelines, 2015. Collection method: clinical testing. Allele origin: germline. Affected: yes.
Comment: PVS1, PM2, PM3

Heterozygous

Counsyl
Classification: Likely pathogenic for Very long chain acyl-CoA dehydrogenase deficiency. Last evaluated: 2016-09-13. Review status: no assertion criteria provided. Collection method: clinical testing. Allele origin: unknown. Not counted in ClinVar's aggregate classification.

Literature cited by the submitters: PubMed 9973285 (cited by Labcorp Genetics (formerly Invitae), Labcorp); PubMed 11590124 (cited by Labcorp Genetics (formerly Invitae), Labcorp); PubMed 28755359 (cited by Labcorp Genetics (formerly Invitae), Labcorp).